The following is an entry in ClinVar:

ClinVar aggregate classification (germline): Likely benign. Review status: criteria provided, multiple submitters, no conflicts (2 of 4 stars). 5 submissions from 5 submitters: Likely benign (4). 1 of the submissions does not count toward it. Last evaluated 2025-06-10.

Conditions:
Cardiovascular phenotype. Identifiers: MedGen CN230736.
Dilated cardiomyopathy 1J (CMD1J). Also called: CARDIOMYOPATHY, DILATED, WITH SENSORINEURAL HEARING LOSS, AUTOSOMAL DOMINANT. Identifiers: Orphanet 217622, MedGen C1854368, MONDO:0011541, OMIM 605362.
EYA4-related disorder. Also called: EYA4-related condition; EYA4-related disorders. Identifiers: MedGen CN239388.

Allele frequency attached by ClinVar (database versions not stated): TOPMed 0.00004; gnomAD exomes below 0.00001 and 0.00001; ExAC 0.00001; gnomAD 0.00003 and 0.00004.
gnomAD v4.1: 6 of 1,608,310 alleles (0.00037%); highest among the groups gnomAD compares: Admixed American, 0.0017%; no homozygotes.

Submissions (5):

Labcorp Genetics (formerly Invitae), Labcorp
Classification: Likely benign for Dilated cardiomyopathy 1J. Last evaluated: 2025-06-10. Review status: criteria provided, single submitter. Criteria: Invitae Variant Classification Sherloc (09022015). Collection method: clinical testing. Allele origin: germline.

Women's Health and Genetics/Laboratory Corporation of America, LabCorp
Classification: Likely benign. Last evaluated: 2023-06-25. Review status: criteria provided, single submitter. Criteria: LabCorp Variant Classification Summary - May 2015. Collection method: clinical testing. Allele origin: germline.

Ambry Genetics
Classification: Likely benign for Cardiovascular phenotype. Last evaluated: 2019-04-29. Review status: criteria provided, single submitter. Criteria: Ambry Variant Classification Scheme 2023. Collection method: clinical testing. Allele origin: germline.

Laboratory for Molecular Medicine, Mass General Brigham Personalized Medicine
Classification: Likely benign. Last evaluated: 2015-01-05. Review status: criteria provided, single submitter. Criteria: LMM Criteria. Collection method: clinical testing. Allele origin: germline. Observed: 1 variant allele.
Comment: p.Pro247Pro in exon 10 of EYA4: This variant is not expected to have clinical si gnificance because it does not alter an amino acid residue and is not located wi thin the splice consensus sequence. It has been identified in 1/10068 of Africa n chromosomes by the Exome Aggregation Consortium (ExAC).

PreventionGenetics, part of Exact Sciences
Classification: Likely benign for EYA4-related condition. Last evaluated: 2024-02-12. Review status: no assertion criteria provided. Collection method: clinical testing. Allele origin: germline. Not counted in ClinVar's aggregate classification.
Comment: This variant is classified as likely benign based on ACMG/AMP sequence variant interpretation guidelines (Richards et al. 2015 PMID: 25741868, with internal and published modifications).

NM_004100.5(EYA4):c.741A>G (p.Pro247=)

Gene: EYA4 (EYA transcriptional coactivator and phosphatase 4; plus strand). Cytogenetic location: 6q23.2.
Variant type: single nucleotide variant.
Coding change: c.741A>G on transcript NM_004100.5 (MANE Select); coding-DNA position 741, A replaced by G.
Protein change: p.Pro247=; no amino-acid change (proline 247 retained).
Molecular consequence: synonymous variant.
Genome position (GRCh38, 1-based): chr6:133,464,795, A>G. VCF-style: chr6-133464795-A-G. GRCh37 (hg19) VCF-style: chr6-133785933-A-G.
Other names: c.579A>G, p.Pro193= (NM_001301012.2, NM_001370459.1); c.741A>G, p.Pro247= (NM_001301013.2, NM_172105.4); c.672A>G, p.Pro224= (NM_001370458.1, NM_172103.4).
Identifiers: ClinVar variation 227370 (VCV000227370.16), dbSNP rs752226573, ClinGen allele CA4008140.
Genomic context (GRCh38, chr6:133,464,795, plus strand): 5'-TTACAAGGAATACTTTTAAAATGCAATTTGTTTTTTACCTCTAGGTTCTAGTTTTGCACC[A>G]TCATCTACTATTTATGCAAATAATTCAGTTTCCAATTCAACGAATTTCAGTGGTTCACAA-3'
Protein context (NP_004091.3, residues 237-257): SYQMPGSSFA[Pro247=]SSTIYANNSV